The following is an entry in ClinVar:

NM_002693.3(POLG):c.1251-23del

Gene: POLG (DNA polymerase gamma, catalytic subunit; minus strand). Cytogenetic location: 15q26.1.
Variant type: Deletion.
Coding change: c.1251-23del on transcript NM_002693.3 (MANE Select); 23 bases into the intron before coding-DNA position 1251, one base deleted (A; older notation c.1251-23delA).
Molecular consequence: intron variant.
Genome position (GRCh38, 1-based): chr15:89,327,372, T deleted on the plus strand (A on the coding strand, the reverse complement: POLG is on the minus strand). VCF-style (leftmost placement, unchanged base first): chr15-89327371-CT-C. GRCh37 (hg19) VCF-style: chr15-89870602-CT-C.
Other names: p.?; c.1251-23del (NM_001126131.2).
Identifiers: ClinVar variation 619356 (VCV000619356.2), dbSNP rs541579481, ClinGen allele CA7724899.

ClinVar aggregate classification (germline): Likely benign. Review status: criteria provided, multiple submitters, no conflicts (2 of 4 stars). 2 submissions from 2 submitters: Likely benign (2). Last evaluated 2025-05-28.

Conditions:
Progressive sclerosing poliodystrophy (MTDPS4A). Also called: Alpers-Huttenlocher Syndrome (AHS); Alpers Syndrome; ALPERS PROGRESSIVE INFANTILE POLIODYSTROPHY; Mitochondrial DNA depletion syndrome 4A (Alpers type); ALPERS DIFFUSE DEGENERATION OF CEREBRAL GRAY MATTER WITH HEPATIC CIRRHOSIS; Alpers-Huttenlocher Syndrome. Identifiers: Orphanet 726, MedGen C0205710, MONDO:0008758, OMIM 203700.

Allele frequency attached by ClinVar (database versions not stated): gnomAD exomes 0.00123 and 0.00061; ESP Exome Variant Server 0.00129; ExAC 0.00054; gnomAD 0.00072 and 0.00077; TOPMed 0.00074.

Submissions (2):

Mayo Clinic Laboratories, Mayo Clinic
Classification: Likely benign. Last evaluated: 2025-05-28. Review status: criteria provided, single submitter. Criteria: ACMG Guidelines, 2015. Collection method: clinical testing. Allele origin: germline. Observed: 1 variant allele.
Comment: BP7, PM2_supporting

Wong Mito Lab, Molecular and Human Genetics, Baylor College of Medicine
Classification: Likely benign for Progressive sclerosing poliodystrophy. Last evaluated: 2018-10-01. Review status: criteria provided, single submitter. Criteria: ACMG Guidelines, 2015. Collection method: clinical testing. Allele origin: germline.
Comment: The NM_002693.2:c.1251-23del (NP_002684.1:p.=) [GRCH38: NC_000015.10:g.89327372del] variant in POLG gene is interpretated to be a Likely Benign based on ACMG guidelines (PMID: 25741868). This variant meets the following evidence codes reported in the ACMG-guideline. BS1:The minor allele frequency of this allele is high for Mitochondrial DNA depletion syndrome 4A (Alpers type). BP2:The variant is observed in trans/cis with a dominant variant. BP4:Computational evidence/predictors indicate no impact on the POLG structure, function, or protein-protein interaction. Based on the evidence criteria codes applied, the variant is suggested to be Likely Benign.